The following is an entry in ClinVar:

NM_153717.3(EVC):c.1804A>C (p.Ser602Arg)

Gene: EVC (EvC ciliary complex subunit 1; plus strand). Cytogenetic location: 4p16.2.
Variant type: single nucleotide variant.
Coding change: c.1804A>C on transcript NM_153717.3 (MANE Select); coding-DNA position 1804, A replaced by C.
Protein change: p.Ser602Arg; replaces serine 602 with arginine.
Molecular consequence: missense variant.
Genome position (GRCh38, 1-based): chr4:5,793,635, A>C. VCF-style: chr4-5793635-A-C. GRCh37 (hg19) VCF-style: chr4-5795362-A-C.
Other names: c.1804A>C, p.Ser602Arg (NM_001306090.2); short protein forms S602R.
Identifiers: ClinVar variation 2153629 (VCV002153629.1), dbSNP rs779847840, ClinGen allele CA2836274.
Genomic context (GRCh38, chr4:5,793,635, plus strand): 5'-CATGCCTGCTCTGTCCCTCTGTCCCGAGTTCAGGTGTGGATGGAGGAGTGTGCGCTGTCC[A>C]GCGTGCTGCAGACACACCTGCGGGAGGACCACGAGGGCACCATCCGCGGCGTCTTGGGCC-3'
Protein context (NP_714928.1, residues 592-612): QVWMEECALS[Ser602Arg]VLQTHLREDH

ClinVar aggregate classification (germline): Uncertain significance (1 of 4 stars; one submission).

Conditions:
Ellis-van Creveld syndrome (EVC). Also called: MESOECTODERMAL DYSPLASIA; Chondroectodermal dysplasia; EVC-Related Ellis-van Creveld Syndrome; EVC2-Related Ellis-van Creveld Syndrome. Identifiers: Orphanet 289, MedGen C0013903, MONDO:0009162, OMIM 225500.
Curry-Hall syndrome (WAD). Also called: WEYERS ACRODENTAL DYSOSTOSIS. Identifiers: Orphanet 952, MedGen C0457013, MONDO:0008673, OMIM 193530.

Allele frequency attached by ClinVar (database versions not stated): gnomAD exomes 0.00002; TOPMed 0.00002; gnomAD 0.00003; ExAC 0.00005.
gnomAD v4.1: 28 of 1,551,722 alleles (0.0018%); highest among the groups gnomAD compares: Non-Finnish European, 0.0022%; no homozygotes.

Submission:

Labcorp Genetics (formerly Invitae), Labcorp
Classification: Uncertain significance for Curry-Hall syndrome; Ellis-van Creveld syndrome. Last evaluated: 2022-06-20. Review status: criteria provided, single submitter. Criteria: Invitae Variant Classification Sherloc (09022015). Collection method: clinical testing. Allele origin: germline.
Comment: This sequence change replaces serine, which is neutral and polar, with arginine, which is basic and polar, at codon 602 of the EVC protein (p.Ser602Arg). This variant is present in population databases (rs779847840, gnomAD 0.004%). This variant has not been reported in the literature in individuals affected with EVC-related conditions. Algorithms developed to predict the effect of missense changes on protein structure and function (SIFT, PolyPhen-2, Align-GVGD) all suggest that this variant is likely to be tolerated. In summary, the available evidence is currently insufficient to determine the role of this variant in disease. Therefore, it has been classified as a Variant of Uncertain Significance.